The following is an entry in ClinVar:

ClinVar aggregate classification (germline): Benign (0 of 4 stars; one submission).

Conditions:
PRRG4-related disorder. Also called: PRRG4-related condition.

Allele frequency attached by ClinVar (database versions not stated): 1000 Genomes Project 30x 0.05403; 1000 Genomes Project 0.05411; TOPMed 0.07163; ExAC 0.07347; gnomAD 0.07373; ESP Exome Variant Server 0.07853.

Submission:

PreventionGenetics, part of Exact Sciences
Classification: Benign for PRRG4-related condition. Last evaluated: 2019-11-26. Review status: no assertion criteria provided. Collection method: clinical testing. Allele origin: germline.
Comment: This variant is classified as benign based on ACMG/AMP sequence variant interpretation guidelines (Richards et al. 2015 PMID: 25741868, with internal and published modifications).

NM_024081.6(PRRG4):c.527C>A (p.Pro176Gln)

Gene: PRRG4 (proline rich and Gla domain 4; plus strand). Cytogenetic location: 11p13.
Variant type: single nucleotide variant.
Coding change: c.527C>A on transcript NM_024081.6 (MANE Select); coding-DNA position 527, C replaced by A.
Protein change: p.Pro176Gln; replaces proline 176 with glutamine.
Molecular consequence: missense variant.
Genome position (GRCh38, 1-based): chr11:32,853,373, C>A. VCF-style: chr11-32853373-C-A. GRCh37 (hg19) VCF-style: chr11-32874919-C-A.
Other names: short protein forms P176Q.
Identifiers: ClinVar variation 3056875 (VCV003056875.2), dbSNP rs34139105, ClinGen allele CA5935930.
Genomic context (GRCh38, chr11:32,853,373, plus strand): 5'-AAAGGGGGAGGCACACTCCCTCCATCATTTTCAGAAGACCTGAGGAGGCTGCCTTGTCTC[C>A]ATTGCCGCCTTCTGTGGAGGATGCAGGATTACCTTCTTATGAACAGGCAGTGGCGCTGAC-3'
Protein context (NP_076986.1, residues 166-186): FRRPEEAALS[Pro176Gln]LPPSVEDAGL